The following is an entry in ClinVar:

ClinVar aggregate classification (germline): Benign/Likely benign. Review status: criteria provided, multiple submitters, no conflicts (2 of 4 stars). 15 submissions from 14 submitters: Benign (6); Likely benign (4). 5 of the submissions do not count toward it. Last evaluated 2026-09-01.

Conditions:
Inborn genetic diseases. Identifiers: MedGen C0950123, MeSH D030342.
VAPB-related disorder. Also called: VAPB-related condition.
Adult-onset proximal spinal muscular atrophy, autosomal dominant. Also called: FINKEL LATE-ADULT TYPE SMA; Spinal muscular atrophy, late-onset, finkel type. Identifiers: Orphanet 209335, MedGen C1854058, MONDO:0008453, OMIM 182980.
Amyotrophic lateral sclerosis type 8 (ALS8). Identifiers: Orphanet 803, MedGen C1837728, MONDO:0012077, OMIM 608627.

Allele frequency attached by ClinVar (database versions not stated): 1000 Genomes Project 30x 0.00078; 1000 Genomes Project 0.00100; ESP Exome Variant Server 0.00115; gnomAD exomes 0.00127 and 0.00228; ExAC 0.00137; gnomAD 0.00143 and 0.00170; TOPMed 0.00161.

Submissions (15):

CeGaT Center for Human Genetics Tuebingen
Classification: Benign. Last evaluated: 2026-09-01. Review status: criteria provided, single submitter. Criteria: CeGaT Center For Human Genetics Tuebingen Variant Classification Criteria Version 2. Collection method: clinical testing. Allele origin: germline. Affected: yes. Observed: 8 variant alleles.
Comment: VAPB: BP4, BS1, BS2

Labcorp Genetics (formerly Invitae), Labcorp
Classification: Likely benign for Adult-onset proximal spinal muscular atrophy, autosomal dominant; Amyotrophic lateral sclerosis type 8. Last evaluated: 2026-01-20. Review status: criteria provided, single submitter. Criteria: Invitae Variant Classification Sherloc (09022015). Collection method: clinical testing. Allele origin: germline.

Athena Diagnostics
Classification: Benign. Last evaluated: 2025-03-13. Review status: criteria provided, single submitter. Criteria: Athena Diagnostics Criteria. Collection method: clinical testing. Allele origin: unknown.
Comment: The frequency of this variant in the general population is higher than would generally be expected for pathogenic variants in this gene.

Blueprint Genetics
Classification: Likely benign. Last evaluated: 2024-11-20. Review status: criteria provided, single submitter. Criteria: ACMG Guidelines, 2015. Collection method: clinical testing. Allele origin: germline.

Mayo Clinic Laboratories, Mayo Clinic
Classification: Benign. Last evaluated: 2024-08-02. Review status: criteria provided, single submitter. Criteria: ACMG Guidelines, 2015. Collection method: clinical testing. Allele origin: germline. Observed: 2 variant alleles.
Comment: BS1, BS2, BP4

GeneDx
Classification: Benign. Last evaluated: 2021-01-25. Review status: criteria provided, single submitter. Criteria: GeneDx Variant Classification Process June 2021. Collection method: clinical testing. Allele origin: germline. Affected: yes.
Comment: This variant is associated with the following publications: (PMID: 22878164, 23971766, 25382069, 28430856)

Ambry Genetics
Classification: Likely benign for Inborn genetic diseases. Last evaluated: 2019-11-08. Review status: criteria provided, single submitter. Criteria: Ambry Variant Classification Scheme 2023. Collection method: clinical testing. Allele origin: germline.

Mendelics
Classification: Likely benign for Amyotrophic lateral sclerosis type 8. Last evaluated: 2019-05-28. Review status: criteria provided, single submitter. Criteria: Mendelics Assertion Criteria 2017. Collection method: clinical testing. Allele origin: unknown.

Illumina Laboratory Services, Illumina
Classification: Benign for Adult-onset proximal spinal muscular atrophy, autosomal dominant. Last evaluated: 2017-04-27. Review status: criteria provided, single submitter. Criteria: ICSL Variant Classification Criteria 13 December 2019. Collection method: clinical testing. Allele origin: germline.
Comment: This variant was observed as part of a predisposition screen in an ostensibly healthy population. A literature search was performed for the gene, cDNA change, and amino acid change (where applicable). No publications were found based on this search. Allele frequency data from public databases was too high to be consistent with this variant causing disease. Therefore, this variant is classified as benign.

Illumina Laboratory Services, Illumina
Classification: Benign for Amyotrophic lateral sclerosis type 8. Last evaluated: 2017-04-27. Review status: criteria provided, single submitter. Criteria: ICSL Variant Classification Criteria 13 December 2019. Collection method: clinical testing. Allele origin: germline.
Comment: This variant was observed as part of a predisposition screen in an ostensibly healthy population. A literature search was performed for the gene, cDNA change, and amino acid change (where applicable). Publications were found based on this search. The evidence from the literature, in combination with allele frequency data from public databases where available, was sufficient to rule this variant out of causing disease. Therefore, this variant is classified as benign.

PreventionGenetics, part of Exact Sciences
Classification: Likely benign for VAPB-related condition. Last evaluated: 2019-04-12. Review status: no assertion criteria provided. Collection method: clinical testing. Allele origin: germline. Not counted in ClinVar's aggregate classification.
Comment: This variant is classified as likely benign based on ACMG/AMP sequence variant interpretation guidelines (Richards et al. 2015 PMID: 25741868, with internal and published modifications).

Clinical Genetics DNA and cytogenetics Diagnostics Lab, Erasmus MC, Erasmus Medical Center
Classification: Likely benign. Review status: no assertion criteria provided. Collection method: clinical testing. Allele origin: germline. Affected: yes. Study: VKGL Data-share Consensus. Not counted in ClinVar's aggregate classification.

Clinical Genetics, Academic Medical Center
Classification: Likely benign. Review status: no assertion criteria provided. Collection method: clinical testing. Allele origin: germline. Affected: yes. Study: VKGL Data-share Consensus. Not counted in ClinVar's aggregate classification.

Genome Diagnostics Laboratory, Amsterdam University Medical Center
Classification: Likely benign. Review status: no assertion criteria provided. Collection method: clinical testing. Allele origin: germline. Affected: yes. Study: VKGL Data-share Consensus. Not counted in ClinVar's aggregate classification.

Genome Diagnostics Laboratory, University Medical Center Utrecht
Classification: Likely benign. Review status: no assertion criteria provided. Collection method: clinical testing. Allele origin: germline. Affected: yes. Study: VKGL Data-share Consensus. Not counted in ClinVar's aggregate classification.

Literature cited by the submitters: PubMed 24681403 (cited by Athena Diagnostics); PubMed 25382069 (cited by Athena Diagnostics and Mayo Clinic Laboratories, Mayo Clinic); PubMed 22878164 (cited by Athena Diagnostics); PubMed 23971766 (cited by 3 submitters); PubMed 26362251 (cited by Athena Diagnostics); PubMed 28430856 (cited by Mayo Clinic Laboratories, Mayo Clinic).

NM_004738.5(VAPB):c.510G>A (p.Met170Ile)

Gene: VAPB (VAMP associated protein B and C; plus strand). Cytogenetic location: 20q13.32.
Variant type: single nucleotide variant.
Coding change: c.510G>A on transcript NM_004738.5 (MANE Select); coding-DNA position 510, G replaced by A.
Protein change: p.Met170Ile; replaces methionine 170 with isoleucine.
Molecular consequence: missense variant. On other transcripts: non-coding transcript variant (1), intron variant (1).
Genome position (GRCh38, 1-based): chr20:58,441,020, G>A. VCF-style: chr20-58441020-G-A. GRCh37 (hg19) VCF-style: chr20-57016076-G-A.
Other names: p.Met170Ile; c.212-3057G>A (NM_001195677.2); short protein forms M170I.
Identifiers: ClinVar variation 465875 (VCV000465875.56), dbSNP rs143144050, ClinGen allele CA9924276.